The following is an entry in ClinVar:

ClinVar aggregate classification (germline): Uncertain significance (1 of 4 stars; one submission).

Conditions:
Hereditary spastic paraplegia 28. Also called: Spastic paraplegia 28, autosomal recessive. Identifiers: Orphanet 101008, MedGen C1836295, MONDO:0012256, OMIM 609340.

gnomAD v4.1: 6 of 1,585,208 alleles (0.00038%); highest among the groups gnomAD compares: Admixed American, 0.0054%; no homozygotes.

Submission:

Labcorp Genetics (formerly Invitae), Labcorp
Classification: Uncertain significance for Hereditary spastic paraplegia 28. Last evaluated: 2025-11-24. Review status: criteria provided, single submitter. Criteria: Invitae Variant Classification Sherloc (09022015). Collection method: clinical testing. Allele origin: germline.
Comment: This sequence change replaces glycine, which is neutral and non-polar, with cysteine, which is neutral and slightly polar, at codon 46 of the DDHD1 protein (p.Gly46Cys). This variant is present in population databases (rs61985140, gnomAD 0.01%). This variant has not been reported in the literature in individuals affected with DDHD1-related conditions. ClinVar contains an entry for this variant (Variation ID: 1461076). An algorithm developed to predict the effect of missense changes on protein structure and function (PolyPhen-2) suggests that this variant is likely to be disruptive. In summary, the available evidence is currently insufficient to determine the role of this variant in disease. Therefore, it has been classified as a Variant of Uncertain Significance.

NM_001160148.2(DDHD1):c.136G>T (p.Gly46Cys)

Gene: DDHD1 (DDHD domain containing 1; minus strand). Cytogenetic location: 14q22.1.
Variant type: single nucleotide variant.
Coding change: c.136G>T on transcript NM_001160148.2 (MANE Select); coding-DNA position 136, G replaced by T.
Protein change: p.Gly46Cys; replaces glycine 46 with cysteine.
Molecular consequence: missense variant.
Genome position (GRCh38, 1-based): chr14:53,152,963, C>A on the plus strand (G>T on the coding strand, the complement: DDHD1 is on the minus strand). VCF-style: chr14-53152963-C-A. GRCh37 (hg19) VCF-style: chr14-53619681-C-A.
Other names: c.136G>T, p.Gly46Cys (NM_001160147.2, NM_030637.3); short protein forms G46C.
Identifiers: ClinVar variation 1461076 (VCV001461076.8), dbSNP rs61985140, ClinGen allele CA7191585.
Genomic context (GRCh38, chr14:53,152,963, plus strand): 5'-GCAGCCCGGGTTCCCCGCGCAGCAGGGCCAGGGGCACGTCGCCGTCGTCCGGGTCCCCGC[C>A]GGGCAGGTGCTCGAAGCAGCAGACGCCGCCGCCGAACGCTGGCCTCGCGTCTGAGCCCAG-3'
Protein context (NP_001153620.1, residues 36-56): GGVCCFEHLP[Gly46Cys]GDPDDGDVPL